The following is an entry in ClinVar:

ClinVar aggregate classification (germline): Uncertain significance (1 of 4 stars; one submission).

Conditions:
Epidermolysis bullosa simplex 5C, with pyloric atresia (EBS5C). Also called: PLEC-Related Epidermolysis Bullosa with Pyloric Atresia; Epidermolysis bullosa simplex with pyloric atresia; PLEC1-Related Epidermolysis Bullosa with Pyloric Atresia. Identifiers: Orphanet 158684, MedGen C2677349, MONDO:0012807, OMIM 612138.
Autosomal recessive limb-girdle muscular dystrophy type 2Q (LGMDR17). Also called: MUSCULAR DYSTROPHY, LIMB-GIRDLE, AUTOSOMAL RECESSIVE 17. Identifiers: Orphanet 254361, MedGen C3150989, MONDO:0013390, OMIM 613723.
Epidermolysis bullosa simplex, Ogna type (EBS5A). Also called: Pidermolysis bullosa simplex 5A, Ogna type; EPIDERMOLYSIS BULLOSA SIMPLEX 5A, OGNA TYPE. Identifiers: Orphanet 79401, MedGen C0432317, MONDO:0007555, OMIM 131950.
Epidermolysis bullosa simplex 5B, with muscular dystrophy (EBS5B). Also called: Epidermolysis bullosa simplex with muscular dystrophy; EPIDERMOLYSIS BULLOSA SIMPLEX AND LIMB-GIRDLE MUSCULAR DYSTROPHY. Identifiers: Orphanet 257, MedGen C2931072, MONDO:0009181, OMIM 226670.
Epidermolysis bullosa simplex with nail dystrophy (EBS5D). Identifiers: MedGen C4225309, MONDO:0014661, OMIM 616487.

Submission:

Labcorp Genetics (formerly Invitae), Labcorp
Classification: Uncertain significance for Autosomal recessive limb-girdle muscular dystrophy type 2Q; Epidermolysis bullosa simplex, Ogna type; Epidermolysis bullosa simplex with nail dystrophy; Epidermolysis bullosa simplex 5C, with pyloric atresia; Epidermolysis bullosa simplex 5B, with muscular dystrophy. Last evaluated: 2022-03-10. Review status: criteria provided, single submitter. Criteria: Invitae Variant Classification Sherloc (09022015). Collection method: clinical testing. Allele origin: germline.
Comment: In summary, the available evidence is currently insufficient to determine the role of this variant in disease. Therefore, it has been classified as a Variant of Uncertain Significance. Algorithms developed to predict the effect of missense changes on protein structure and function are either unavailable or do not agree on the potential impact of this missense change (SIFT: "Deleterious"; PolyPhen-2: "Probably Damaging"; Align-GVGD: "Class C0"). This variant has not been reported in the literature in individuals affected with PLEC-related conditions. This variant is not present in population databases (gnomAD no frequency). This sequence change replaces alanine, which is neutral and non-polar, with threonine, which is neutral and polar, at codon 2422 of the PLEC protein (p.Ala2422Thr).

NM_201384.3(PLEC):c.7183G>A (p.Ala2395Thr)

Gene: PLEC (plectin; minus strand). Cytogenetic location: 8q24.3.
Variant type: single nucleotide variant.
Coding change: c.7183G>A on transcript NM_201384.3 (MANE Select); coding-DNA position 7183, G replaced by A.
Protein change: p.Ala2395Thr; replaces alanine 2395 with threonine.
Molecular consequence: missense variant.
Genome position (GRCh38, 1-based): chr8:143,922,746, C>T on the plus strand (G>A on the coding strand, the complement: PLEC is on the minus strand). VCF-style: chr8-143922746-C-T. GRCh37 (hg19) VCF-style: chr8-144996914-C-T.
Other names: c.7264G>A, p.Ala2422Thr (NM_000445.5); c.7141G>A, p.Ala2381Thr (NM_201378.4); c.7117G>A, p.Ala2373Thr (NM_201379.3); c.7594G>A, p.Ala2532Thr (NM_201380.4); c.7087G>A, p.Ala2363Thr (NM_201381.3); c.7183G>A, p.Ala2395Thr (NM_201382.4); c.7195G>A, p.Ala2399Thr (NM_201383.3); short protein forms A2399T, A2363T, A2373T, A2381T, A2422T, A2395T, A2532T.
Identifiers: ClinVar variation 2108280 (VCV002108280.4), dbSNP rs1367074949, ClinGen allele CA372529188.